The following is an entry in ClinVar:

ClinVar aggregate classification (germline): Uncertain significance (1 of 4 stars; one submission).

Allele frequency attached by ClinVar (database versions not stated): gnomAD exomes below 0.00001; ExAC 0.00001; gnomAD 0.00001.
gnomAD v4.1: 4 of 1,457,582 alleles (0.00027%); highest among the groups gnomAD compares: Admixed American, 0.0076%; no homozygotes.

Submission:

Labcorp Genetics (formerly Invitae), Labcorp
Classification: Uncertain significance. Last evaluated: 2025-08-21. Review status: criteria provided, single submitter. Criteria: Invitae Variant Classification Sherloc (09022015). Collection method: clinical testing. Allele origin: germline.
Comment: This sequence change replaces lysine, which is basic and polar, with arginine, which is basic and polar, at codon 171 of the DSCAML1 protein (p.Lys171Arg). The frequency data for this variant in the population databases is considered unreliable, as metrics indicate poor data quality at this position in the gnomAD database. This variant has not been reported in the literature in individuals affected with DSCAML1-related conditions. ClinVar contains an entry for this variant (Variation ID: 1915876). An algorithm developed to predict the effect of missense changes on protein structure and function (PolyPhen-2) suggests that this variant is likely to be tolerated. In summary, the available evidence is currently insufficient to determine the role of this variant in disease. Therefore, it has been classified as a Variant of Uncertain Significance.

NM_020693.4(DSCAML1):c.332A>G (p.Lys111Arg)

Gene: DSCAML1 (DS cell adhesion molecule like 1; minus strand). Cytogenetic location: 11q23.3.
Variant type: single nucleotide variant.
Coding change: c.332A>G on transcript NM_020693.4 (MANE Select); coding-DNA position 332, A replaced by G.
Protein change: p.Lys111Arg; replaces lysine 111 with arginine.
Molecular consequence: missense variant. On other transcripts: 5 prime UTR variant (1).
Genome position (GRCh38, 1-based): chr11:117,780,525, T>C on the plus strand (A>G on the coding strand, the complement: DSCAML1 is on the minus strand). VCF-style: chr11-117780525-T-C. GRCh37 (hg19) VCF-style: chr11-117651240-T-C.
Other names: c.332A>G, p.Lys111Arg (NM_001367904.1); c.-77A>G (NM_001367905.1); short protein forms K111R.
Identifiers: ClinVar variation 1915876 (VCV001915876.5), dbSNP rs752415564, ClinGen allele CA6297600.